The following is an entry in ClinVar:

NM_001378414.1(HDAC4):c.2751-225C>A

Genes: HDAC4 (histone deacetylase 4; minus strand), MIR4440 (microRNA 4440; minus strand). Cytogenetic location: 2q37.3.
Variant type: single nucleotide variant.
Coding change: c.2751-225C>A on transcript NM_001378414.1 (MANE Select); 225 bases into the intron before coding-DNA position 2751, C replaced by A.
Molecular consequence: intron variant. On other transcripts: non-coding transcript variant (1).
Genome position (GRCh38, 1-based): chr2:239,068,832, G>T on the plus strand (C>A on the coding strand, the complement: HDAC4 is on the minus strand). VCF-style: chr2-239068832-G-T. GRCh37 (hg19) VCF-style: chr2-239990528-G-T.
Other names: c.2736-225C>A (NM_001378417.1, NM_001378416.1, NM_006037.4); c.2751-225C>A (NM_001378415.1).
Identifiers: ClinVar variation 1687676 (VCV001687676.3), dbSNP rs149465275, ClinGen allele CA2199225.

ClinVar aggregate classification (germline): Likely benign. Review status: criteria provided, multiple submitters, no conflicts (2 of 4 stars). 2 submissions from 2 submitters: Likely benign (2). Last evaluated 2021-11-25.

Allele frequency attached by ClinVar (database versions not stated): gnomAD exomes 0.00059 and 0.00130; ExAC 0.00455; gnomAD 0.00528 and 0.00564; TOPMed 0.00604; 1000 Genomes Project 0.00659.
gnomAD v4.1: 1,070 of 592,960 alleles (0.18%); highest among the groups gnomAD compares: African/African-American, 1.8%; 9 homozygotes.

Submissions (2):

GeneDx
Classification: Likely benign. Last evaluated: 2021-11-25. Review status: criteria provided, single submitter. Criteria: GeneDx Variant Classification Process June 2021. Collection method: clinical testing. Allele origin: germline. Affected: yes.
Comment: See Variant Classification Assertion Criteria.

Breakthrough Genomics
Classification: Likely benign. Review status: criteria provided, single submitter. Criteria: ACMG Guidelines, 2015. Collection method: not provided. Allele origin: germline. Inheritance: Autosomal dominant inheritance. Affected: yes.